The following is an entry in ClinVar:

ClinVar aggregate classification (germline): Likely benign (1 of 4 stars; one submission).

Allele frequency attached by ClinVar (database versions not stated): gnomAD 0.00001; TOPMed 0.00001.
gnomAD v4.1: 1 of 276,586 alleles (0.00036%); highest among the groups gnomAD compares: African/African-American, 0.0022%; no homozygotes.

Submission:

GeneDx
Classification: Likely benign. Last evaluated: 2018-03-26. Review status: criteria provided, single submitter. Criteria: GeneDx Variant Classification (06012015). Collection method: clinical testing. Allele origin: germline. Affected: yes.
Comment: This variant is considered likely benign or benign based on one or more of the following criteria: it is a conservative change, it occurs at a poorly conserved position in the protein, it is predicted to be benign by multiple in silico algorithms, and/or has population frequency not consistent with disease.

NM_001040151.2(SCN3B):c.-26+17C>G

Gene: SCN3B (sodium voltage-gated channel beta subunit 3; minus strand). Cytogenetic location: 11q24.1.
Variant type: single nucleotide variant.
Coding change: c.-26+17C>G on transcript NM_001040151.2 (MANE Select); 17 bases into the intron after 26 bases upstream of the start codon, C replaced by G.
Molecular consequence: intron variant. On other transcripts: 5 prime UTR variant (1).
Genome position (GRCh38, 1-based): chr11:123,654,209, G>C on the plus strand (C>G on the coding strand, the complement: SCN3B is on the minus strand). VCF-style: chr11-123654209-G-C. GRCh37 (hg19) VCF-style: chr11-123524917-G-C.
Other names: c.-408C>G (NM_018400.4).
Identifiers: ClinVar variation 669980 (VCV000669980.1), dbSNP rs979331123, ClinGen allele CA229989144.